The following is an entry in ClinVar:

ClinVar aggregate classification (germline): Uncertain significance (1 of 4 stars; one submission).

Submission:

GeneDx
Classification: Uncertain significance. Last evaluated: 2019-02-11. Review status: criteria provided, single submitter. Criteria: GeneDx Variant Classification Process June 2021. Collection method: clinical testing. Allele origin: germline. Affected: yes.
Comment: Not observed in large population cohorts (Lek et al., 2016); The majority of missense variants in this gene are considered pathogenic (Stenson et al., 2014); In silico analysis, which includes protein predictors and evolutionary conservation, supports that this variant does not alter protein structure/function

NM_001077365.2(POMT1):c.1491G>C (p.Gln497His)

Gene: POMT1 (protein O-mannosyltransferase 1; plus strand). Cytogenetic location: 9q34.13.
Variant type: single nucleotide variant.
Coding change: c.1491G>C on transcript NM_001077365.2 (MANE Select); coding-DNA position 1491, G replaced by C.
Protein change: p.Gln497His; replaces glutamine 497 with histidine.
Molecular consequence: missense variant. On other transcripts: non-coding transcript variant (10), intron variant (1).
Genome position (GRCh38, 1-based): chr9:131,519,393, G>C. VCF-style: chr9-131519393-G-C. GRCh37 (hg19) VCF-style: chr9-134394780-G-C.
Other names: c.1329G>C, p.Gln443His (NM_001077366.2, NM_001353194.2); c.1491G>C, p.Gln497His (NM_001136113.2); c.1140G>C, p.Gln380His (NM_001136114.2, NM_001353195.2, NM_001374691.1 and 2 more transcripts); c.1557G>C, p.Gln519His (NM_001353193.2, NM_007171.4); c.1401G>C, p.Gln467His (NM_001353196.2); c.1395G>C, p.Gln465His (NM_001353197.2, NM_001353198.2); c.1206G>C, p.Gln402His (NM_001353199.2); c.1035G>C, p.Gln345His (NM_001353200.2); and 3 more; short protein forms Q345H, Q367H, Q380H, Q402H, Q443H, Q465H, Q467H, Q493H.
Identifiers: ClinVar variation 1305426 (VCV001305426.2), dbSNP rs2131866160, ClinGen allele CA375312635.